The following is an entry in ClinVar:

NM_001378778.1(MPDZ):c.802G>A (p.Gly268Arg)

Gene: MPDZ (multiple PDZ domain crumbs cell polarity complex component; minus strand). Cytogenetic location: 9p23.
Variant type: single nucleotide variant.
Coding change: c.802G>A on transcript NM_001378778.1 (MANE Select); coding-DNA position 802, G replaced by A.
Protein change: p.Gly268Arg; replaces glycine 268 with arginine.
Molecular consequence: missense variant.
Genome position (GRCh38, 1-based): chr9:13,221,446, C>T on the plus strand (G>A on the coding strand, the complement: MPDZ is on the minus strand). VCF-style: chr9-13221446-C-T. GRCh37 (hg19) VCF-style: chr9-13221445-C-T.
Other names: c.802G>A, p.Gly268Arg (NM_001261406.2, NM_001261407.2, NM_001330637.2 and 14 more transcripts); short protein forms G268R.
Identifiers: ClinVar variation 1506306 (VCV001506306.8), dbSNP rs2136276656, ClinGen allele CA372946444.
Genomic context (GRCh38, chr9:13,221,446, plus strand): 5'-CTCCAGGCAGAATGGTTTTTACTATCACACCAGTTGCTTTTCCTCCTATGATGCCAAATC[C>T]CAAACCAGATCCATCATTCACCAATTCAATCGTTTCCATGTGTTGCCAGTGAACCTACAA-3'
Protein context (NP_001365707.1, residues 258-278): IELVNDGSGL[Gly268Arg]FGIIGGKATG

ClinVar aggregate classification (germline): Uncertain significance (1 of 4 stars; one submission).

Submission:

Labcorp Genetics (formerly Invitae), Labcorp
Classification: Uncertain significance. Last evaluated: 2021-06-24. Review status: criteria provided, single submitter. Criteria: Invitae Variant Classification Sherloc (09022015). Collection method: clinical testing. Allele origin: germline.
Comment: In summary, the available evidence is currently insufficient to determine the role of this variant in disease. Therefore, it has been classified as a Variant of Uncertain Significance. Algorithms developed to predict the effect of missense changes on protein structure and function (SIFT, PolyPhen-2, Align-GVGD) all suggest that this variant is likely to be disruptive, but these predictions have not been confirmed by published functional studies and their clinical significance is uncertain. This variant has not been reported in the literature in individuals with MPDZ-related conditions. This variant is not present in population databases (ExAC no frequency). This sequence change replaces glycine with arginine at codon 268 of the MPDZ protein (p.Gly268Arg). The glycine residue is highly conserved and there is a moderate physicochemical difference between glycine and arginine.